The following is an entry in ClinVar:

NM_001378454.1(ALMS1):c.8649A>G (p.Glu2883=)

Gene: ALMS1 (ALMS1 centrosome and basal body associated protein; plus strand). Cytogenetic location: 2p13.1.
Variant type: single nucleotide variant.
Coding change: c.8649A>G on transcript NM_001378454.1 (MANE Select); coding-DNA position 8649, A replaced by G.
Protein change: p.Glu2883=; no amino-acid change (glutamic acid 2883 retained).
Molecular consequence: synonymous variant.
Genome position (GRCh38, 1-based): chr2:73,490,608, A>G. VCF-style: chr2-73490608-A-G. GRCh37 (hg19) VCF-style: chr2-73717735-A-G.
Other names: c.8652A>G, p.Glu2884= (NM_015120.4).
Identifiers: ClinVar variation 3356994 (VCV003356994.1).
Genomic context (GRCh38, chr2:73,490,608, plus strand): 5'-AGGAGTAAAAGAGAAGAATGTAACTATAACTCCAGATCTTCCTTCTTGCATTTTTCTTGA[A>G]CAACGAGAGCTCTTTGAACAAAGCAAAGCCCCACGTGCAGATGACCATGTGAGGAAACAC-3'
Protein context (NP_001365383.1, residues 2873-2893): TPDLPSCIFL[Glu2883=]QRELFEQSKA

ClinVar aggregate classification (germline): Likely benign (0 of 4 stars; one submission).

Conditions:
ALMS1-related disorder. Also called: ALMS1-related condition.

gnomAD v4.1: 1 of 1,614,200 alleles (0.000062%); highest among the groups gnomAD compares: South Asian, 0.0011%; no homozygotes.

Submission:

PreventionGenetics, part of Exact Sciences
Classification: Likely benign for ALMS1-related condition. Last evaluated: 2021-06-03. Review status: no assertion criteria provided. Collection method: clinical testing. Allele origin: germline.
Comment: This variant is classified as likely benign based on ACMG/AMP sequence variant interpretation guidelines (Richards et al. 2015 PMID: 25741868, with internal and published modifications).